The following is an entry in ClinVar:

ClinVar aggregate classification (germline): Pathogenic (1 of 4 stars; one submission).

Conditions:
Hereditary nonpolyposis colorectal neoplasms. Identifiers: MedGen C0009405, MeSH D003123.

Submission:

Labcorp Genetics (formerly Invitae), Labcorp
Classification: Pathogenic for Hereditary nonpolyposis colon cancer. Last evaluated: 2019-03-12. Review status: criteria provided, single submitter. Criteria: Invitae Variant Classification Sherloc (09022015). Collection method: clinical testing. Allele origin: germline.
Comment: This variant is a gross deletion of the genomic region encompassing exon 1 of the MSH6 gene, which includes the initiator codon. The 5' end of this event is unknown as it extends beyond the assayed region for this gene and therefore may encompass additional genes. The 3' boundary is likely confined to intron 1 of the MSH6 gene. This is expected to result in an absent or disrupted protein product. A deletion of exon 1 has not been reported in the literature in individuals with MSH6-related disease. Loss-of-function variants in MSH6 are known to be pathogenic (PMID: 18269114, 24362816). For these reasons, this variant has been classified as Pathogenic.

NC_000002.12:g.(?_47783224)_(47783503_?)del

Genes: MSH6 (mutS homolog 6; plus strand), LOC129933707 (ATAC-STARR-seq lymphoblastoid silent region 11468; plus strand). Cytogenetic location: 2p16.3.
Variant type: Deletion.
Identifiers: ClinVar variation 665058 (VCV000665058.2).